The following is an entry in ClinVar:

ClinVar aggregate classification (germline): Pathogenic/Likely pathogenic. Review status: criteria provided, multiple submitters, no conflicts (2 of 4 stars). 4 submissions from 4 submitters: Pathogenic (3); Likely pathogenic (1). Last evaluated 2026-01-19.

Conditions:
Anemia, nonspherocytic hemolytic, due to G6PD deficiency (CNSHA1). Also called: Hemolytic anemia due to G6PD deficiency; ANEMIA, CONGENITAL, NONSPHEROCYTIC HEMOLYTIC, 1; Class I glucose-6-phosphate dehydrogenase deficiency; Favism, susceptibility to. Identifiers: Orphanet 466026, MedGen C2720289, MONDO:0010480, OMIM 300908.
G6PD-related disorders.

Submissions (4):

Labcorp Genetics (formerly Invitae), Labcorp
Classification: Pathogenic for Anemia, nonspherocytic hemolytic, due to G6PD deficiency. Last evaluated: 2026-01-19. Review status: criteria provided, single submitter. Criteria: Invitae Variant Classification Sherloc (09022015). Collection method: clinical testing. Allele origin: germline.
Comment: This sequence change replaces glutamic acid, which is acidic and polar, with lysine, which is basic and polar, at codon 416 of the G6PD protein (p.Glu416Lys). This variant is not present in population databases (gnomAD no frequency). This missense change has been observed in individual(s) with G6PD deficiency (PMID: 1008056, 1733837, 28028996). This variant is also known as G6PD Toyko. ClinVar contains an entry for this variant (Variation ID: 1722681). Invitae Evidence Modeling of protein sequence and biophysical properties (such as structural, functional, and spatial information, amino acid conservation, physicochemical variation, residue mobility, and thermodynamic stability) indicates that this missense variant is expected to disrupt G6PD protein function with a positive predictive value of 95%. For these reasons, this variant has been classified as Pathogenic.

Blueprint Genetics
Classification: Pathogenic for G6PD-related disorders. Last evaluated: 2024-06-12. Review status: criteria provided, single submitter. Criteria: ACMG Guidelines, 2015. Collection method: clinical testing. Allele origin: germline. Affected: yes. Observed: 1 variant allele.

Revvity Omics, Revvity
Classification: Likely pathogenic for Anemia, nonspherocytic hemolytic, due to G6PD deficiency. Last evaluated: 2023-09-14. Review status: criteria provided, single submitter. Criteria: ACMG Guidelines, 2015. Collection method: clinical testing. Allele origin: germline.

Dunham Lab, University of Washington
Classification: Pathogenic for Anemia, nonspherocytic hemolytic, due to G6PD deficiency. Last evaluated: 2022-08-12. Review status: criteria provided, single submitter. Criteria: Bayesian ACMG Guidelines, 2018. Collection method: curation. Allele origin: inherited. Affected: yes.
Comment: Variant found in unrelated hemizygotes with deficiency, acute anemia, and CNSHA (PS4_M, PP4). In one family, found in two brothers that both have CNSHA (PP1). Decreased activity in red blood cells (3-10%) (PS3). Within dimer interface (PM1). Predicted to be damaging or deleterious by multiple computational algorithms (PP3). Not found in gnomAD (PM2). Post_P 0.999 (odds of pathogenicity 13661, Prior_P 0.1).

Literature cited by the submitters: PubMed 1008056 (cited by Labcorp Genetics (formerly Invitae), Labcorp and Dunham Lab, University of Washington); PubMed 1733837 (cited by Labcorp Genetics (formerly Invitae), Labcorp); PubMed 28028996 (cited by Labcorp Genetics (formerly Invitae), Labcorp and Dunham Lab, University of Washington); PubMed 7858267 (cited by Dunham Lab, University of Washington); PubMed 736032 (cited by Dunham Lab, University of Washington); PubMed 7440223 (cited by Dunham Lab, University of Washington); PubMed 8193373 (cited by Dunham Lab, University of Washington); PubMed 10571945 (cited by Dunham Lab, University of Washington); PubMed 31294066 (cited by Dunham Lab, University of Washington).

NM_001360016.2(G6PD):c.1246G>A (p.Glu416Lys)

Gene: G6PD (glucose-6-phosphate dehydrogenase; minus strand). Cytogenetic location: Xq28.
Variant type: single nucleotide variant.
Coding change: c.1246G>A on transcript NM_001360016.2 (MANE Select); coding-DNA position 1246, G replaced by A.
Protein change: p.Glu416Lys; replaces glutamic acid 416 with lysine.
Molecular consequence: missense variant.
Genome position (GRCh38, 1-based): chrX:154,532,608, C>T on the plus strand (G>A on the coding strand, the complement: G6PD is on the minus strand). VCF-style: chrX-154532608-C-T. GRCh37 (hg19) VCF-style: chrX-153760823-C-T.
Other names: G6PD Fukushima; G6PD Tokyo; c.1336G>A, p.Glu446Lys (NM_000402.4); c.1246G>A, p.Glu416Lys (NM_001042351.3); short protein forms E416K, E446K.
Identifiers: ClinVar variation 1722681 (VCV001722681.5), dbSNP rs2523262484, ClinGen allele CA415233895.